The following continues an entry in ClinVar:

NM_198253.3(TERT):c.-124C>T

ClinVar aggregate classification (germline): Conflicting classifications of pathogenicity. Likely pathogenic (4); Uncertain significance (1). ClinVar aggregate classification (somatic clinical impact): Tier I - Strong. ClinVar aggregate classification (oncogenicity): Oncogenic.

Submissions 20 to 28 of 28:

Institute for Genomic Medicine (IGM) Clinical Laboratory, Nationwide Children's Hospital
Classification: Tier I - Strong for Diffuse midline glioma, H3 K27M-mutant. Assertion type: diagnostic. Clinical significance: supports diagnosis. Last evaluated: 2024-01-04. Review status: criteria provided, single submitter. Criteria: AMP/ASCO/CAP Guidelines, 2017. Collection method: clinical testing. Allele origin: somatic. Affected: yes.
Comment: Variant has Tier I (strong) clinical significance as a diagnostic inclusion criterion in diffuse midline glioma, H3 K27M-mutant, based on the following evidence: 1) Documented in one or more cancer databases (e.g., St. Jude Pecan, COSMIC, CIViC, OncoKB). 2) Appears in one or more well-established professional guidelines (e.g., World Health Organization [WHO]; National Comprehensive Cancer Network [NCCN]) as providing diagnostic, prognostic, or therapeutic information. 3) Information in the literature supports potential biologic effect of variant (PMID: 25977370). 4) Diagnostic for a specific tumor type/classification based on well-powered studies with expert-level consensus (Evidence Level B; PMIDs: 28966033, 29763623, 24705251, 28912153, 35535848).

Institute for Genomic Medicine (IGM) Clinical Laboratory, Nationwide Children's Hospital
Classification: Tier II - Potential for Hepatosplenic T-cell lymphoma. Assertion type: diagnostic. Clinical significance: supports diagnosis. Last evaluated: 2023-11-27. Review status: criteria provided, single submitter. Criteria: AMP/ASCO/CAP Guidelines, 2017. Collection method: clinical testing. Allele origin: somatic. Affected: yes. Not counted in ClinVar's aggregate classification.
Comment: Variant has Tier II (potential) clinical significance as a diagnostic inclusion criterion in hepatosplenic T-cell lymphoma, based on the following evidence: 1) Documented in one or more cancer databases (e.g., St. Jude Pecan, COSMIC, CIViC, OncoKB). 2) Information in the literature supports potential biologic effect of variant (PMIDs: 23348506, 25977370). 3) Assists in diagnosis alone or along with other biomarkers based on small studies or few case reports (Evidence Level D; PMIDs: 23530248, 23348506).

Genetic Services Laboratory, University of Chicago
Classification: Uncertain significance. Last evaluated: 2023-09-27. Review status: criteria provided, single submitter. Criteria: ACMG Guidelines, 2015. Collection method: clinical testing. Allele origin: germline. Affected: no.
Comment: DNA sequence analysis of the TERT gene demonstrated a sequence change in the promoter region, c.-124C>T. This change does not appear to have been previously described in individuals with TERT-related disorders; however it has been reported at a relatively high frequency in tumor tissue samples including thyroid cancer, urological malignancies, etc. (PMID: 31669704, 31408918). This alteration was reported to lead to a significant increase in TERT promoter activity when assayed using luciferase reporter system (PMID: 31408918). This sequence change has been described in the gnomAD database with an overall frequency of 0.0095% (dbSNP rs1242535815). The functional significance of this sequence change in a germline sample is unclear and its contribution to this individual's disease phenotype cannot definitively be determined

Institute for Genomic Medicine (IGM) Clinical Laboratory, Nationwide Children's Hospital
Classification: Tier I - Strong for Diffuse pediatric-type high-grade glioma, H3-wildtype and IDH-wildtype. Assertion type: diagnostic. Clinical significance: supports diagnosis. Last evaluated: 2023-07-31. Review status: criteria provided, single submitter. Criteria: AMP/ASCO/CAP Guidelines, 2017. Collection method: clinical testing. Allele origin: somatic. Affected: yes.
Comment: Variant has Tier I (strong) clinical significance as a diagnostic inclusion criterion in diffuse pediatric-type high-grade glioma, H3-wildtype and IDH-wildtype, based on the following evidence: 1) Documented in one or more cancer databases (e.g., St. Jude Pecan, COSMIC, CIViC, OncoKB). 2) Appears in one or more well-established professional guidelines (e.g., World Health Organization [WHO]; National Comprehensive Cancer Network [NCCN]) as providing diagnostic, prognostic, or therapeutic information. 3) Information in the literature supports potential biologic effect of variant (PMID: 25977370). 4) Diagnostic for a specific tumor type/classification based on well-powered studies with expert-level consensus (Evidence Level B; PMIDs: 28966033, 29763623, 24705251, 28912153, 24154961, 28401334).

Institute for Genomic Medicine (IGM) Clinical Laboratory, Nationwide Children's Hospital
Classification: Tier I - Strong for Medulloblastoma SHH activated. Assertion type: diagnostic. Clinical significance: supports diagnosis. Last evaluated: 2022-10-13. Review status: criteria provided, single submitter. Criteria: AMP/ASCO/CAP Guidelines, 2017. Collection method: clinical testing. Allele origin: somatic. Affected: yes.
Comment: Variant has Tier I (strong) clinical significance as a diagnostic inclusion criterion in medulloblastoma SHH activated, based on the following evidence: 1) Documented in one or more cancer databases (e.g., St. Jude Pecan, COSMIC, CIViC, OncoKB). 2) Appears in one or more well-established professional guidelines (e.g., World Health Organization [WHO]; National Comprehensive Cancer Network [NCCN]) as providing diagnostic, prognostic, or therapeutic information. 3) Information in the literature supports potential biologic effect of variant. 4) Diagnostic for a specific tumor type/classification based on well-powered studies with expert-level consensus (Evidence Level B; PMID: 24337442).

Institute for Genomic Medicine (IGM) Clinical Laboratory, Nationwide Children's Hospital
Classification: Tier I - Strong for Malignant glioma. Assertion type: diagnostic. Clinical significance: supports diagnosis. Last evaluated: 2022-10-13. Review status: criteria provided, single submitter. Criteria: AMP/ASCO/CAP Guidelines, 2017. Collection method: clinical testing. Allele origin: somatic. Affected: yes.
Comment: Variant has Tier I (strong) clinical significance as a diagnostic inclusion criterion in malignant glioma, based on the following evidence: 1) Documented in one or more cancer databases (e.g., St. Jude Pecan, COSMIC, CIViC, OncoKB). 2) Information in the literature supports potential biologic effect of variant (PMIDs: 23764841, 25314060). 3) Diagnostic for a specific tumor type/classification based on well-powered studies with expert-level consensus (Evidence Level B; PMIDs: 23764841, 25314060, 26143636).

Division of Medical Oncology, Washington University at Saint Louis
Classification: Pathogenic for Melanoma, cutaneous malignant, susceptibility to, 1. Last evaluated: 2021-01-30. Review status: no assertion criteria provided. Collection method: clinical testing. Allele origin: somatic. Not counted in ClinVar's aggregate classification.

Caryl and Israel Englander Institute for Precision Medicine, Weill Cornell Medicine
Classification: Uncertain significance. Review status: no assertion criteria provided. Collection method: literature only. Allele origin: somatic. Affected: yes. Not counted in ClinVar's aggregate classification.

Laboratory of Urology, Hospital Clinic de Barcelona
Classification: Pathogenic for Malignant tumor of urinary bladder. Review status: no assertion criteria provided. Collection method: research. Allele origin: somatic. Affected: yes. Not counted in ClinVar's aggregate classification.

Literature cited by the submitters: PubMed 25977370 (cited by Institute for Genomic Medicine (IGM) Clinical Laboratory, Nationwide Children's Hospital); PubMed 37296851 (cited by Institute for Genomic Medicine (IGM) Clinical Laboratory, Nationwide Children's Hospital); PubMed 38016019 (cited by Institute for Genomic Medicine (IGM) Clinical Laboratory, Nationwide Children's Hospital); PubMed 31147264 (cited by Institute for Genomic Medicine (IGM) Clinical Laboratory, Nationwide Children's Hospital); PubMed 34103665 (cited by Institute for Genomic Medicine (IGM) Clinical Laboratory, Nationwide Children's Hospital); PubMed 37871653 (cited by Institute for Genomic Medicine (IGM) Clinical Laboratory, Nationwide Children's Hospital); PubMed 38053410 (cited by Institute for Genomic Medicine (IGM) Clinical Laboratory, Nationwide Children's Hospital); PubMed 24174164 (cited by Institute for Genomic Medicine (IGM) Clinical Laboratory, Nationwide Children's Hospital); PubMed 28726821 (cited by Institute for Genomic Medicine (IGM) Clinical Laboratory, Nationwide Children's Hospital); PubMed 24337442 (cited by Institute for Genomic Medicine (IGM) Clinical Laboratory, Nationwide Children's Hospital); PubMed 39592485 (cited by Institute for Genomic Medicine (IGM) Clinical Laboratory, Nationwide Children's Hospital); PubMed 28481359 (cited by Institute for Genomic Medicine (IGM) Clinical Laboratory, Nationwide Children's Hospital); PubMed 31789679 (cited by Institute for Genomic Medicine (IGM) Clinical Laboratory, Nationwide Children's Hospital); PubMed 29449679 (cited by Institute for Genomic Medicine (IGM) Clinical Laboratory, Nationwide Children's Hospital); PubMed 26171145 (cited by Institute for Genomic Medicine (IGM) Clinical Laboratory, Nationwide Children's Hospital); PubMed 32291317 (cited by Institute for Genomic Medicine (IGM) Clinical Laboratory, Nationwide Children's Hospital); PubMed 26466568 (cited by Institute for Genomic Medicine (IGM) Clinical Laboratory, Nationwide Children's Hospital); PubMed 33056981 (cited by Institute for Genomic Medicine (IGM) Clinical Laboratory, Nationwide Children's Hospital); PubMed 26523776 (cited by Institute for Genomic Medicine (IGM) Clinical Laboratory, Nationwide Children's Hospital); PubMed 30523111 (cited by Institute for Genomic Medicine (IGM) Clinical Laboratory, Nationwide Children's Hospital); PubMed 28284778 (cited by Institute for Genomic Medicine (IGM) Clinical Laboratory, Nationwide Children's Hospital); PubMed 32226942 (cited by Institute for Genomic Medicine (IGM) Clinical Laboratory, Nationwide Children's Hospital); PubMed 24260374 (cited by Institute for Genomic Medicine (IGM) Clinical Laboratory, Nationwide Children's Hospital); PubMed 24030752 (cited by Institute for Genomic Medicine (IGM) Clinical Laboratory, Nationwide Children's Hospital); PubMed 25862495 (cited by Institute for Genomic Medicine (IGM) Clinical Laboratory, Nationwide Children's Hospital); PubMed 27442865 (cited by Institute for Genomic Medicine (IGM) Clinical Laboratory, Nationwide Children's Hospital); PubMed 30165166 (cited by Institute for Genomic Medicine (IGM) Clinical Laboratory, Nationwide Children's Hospital); PubMed 33753552 (cited by Institute for Genomic Medicine (IGM) Clinical Laboratory, Nationwide Children's Hospital); PubMed 31837177 (cited by Institute for Genomic Medicine (IGM) Clinical Laboratory, Nationwide Children's Hospital); PubMed 35705560 (cited by Institute for Genomic Medicine (IGM) Clinical Laboratory, Nationwide Children's Hospital); PubMed 23348503 (cited by Center for Genomic Medicine, Rigshospitalet, Copenhagen University Hospital and Institute for Genomic Medicine (IGM) Clinical Laboratory, Nationwide Children's Hospital); PubMed 23348506 (cited by Center for Genomic Medicine, Rigshospitalet, Copenhagen University Hospital and Institute for Genomic Medicine (IGM) Clinical Laboratory, Nationwide Children's Hospital).